The following is an entry in ClinVar:

ClinVar aggregate classification (germline): Uncertain significance (1 of 4 stars; one submission).

Conditions:
Thyroid dyshormonogenesis 6 (TDH6). Also called: HYPOTHYROIDISM, CONGENITAL, DUE TO DYSHORMONOGENESIS, 6; THYROID HORMONOGENESIS, GENETIC DEFECT IN, 6; Genetic transient congenital hypothyroidism. Identifiers: Orphanet 226316, Orphanet 95716, MedGen C1846632, MONDO:0011792, OMIM 607200.

gnomAD v4.1: 13 of 1,527,304 alleles (0.00085%); highest among the groups gnomAD compares: East Asian, 0.031%; no homozygotes.

Submission:

Juno Genomics, Hangzhou Juno Genomics, Inc
Classification: Uncertain significance for Thyroid dyshormonogenesis 6. Review status: criteria provided, single submitter. Criteria: ACMG Guidelines, 2015. Collection method: clinical testing. Allele origin: germline.
Comment: Absent from controls (or at extremely low frequency if recessive) in Genome Aggregation Database.;Multiple lines of computational evidence suggest no impact on gene or gene product.

NM_001363711.2(DUOX2):c.514-12C>A

Gene: DUOX2 (dual oxidase 2; minus strand). Cytogenetic location: 15q21.1.
Variant type: single nucleotide variant.
Coding change: c.514-12C>A on transcript NM_001363711.2 (MANE Select); 12 bases into the intron before coding-DNA position 514, C replaced by A.
Molecular consequence: intron variant.
Genome position (GRCh38, 1-based): chr15:45,111,597, G>T on the plus strand (C>A on the coding strand, the complement: DUOX2 is on the minus strand). VCF-style: chr15-45111597-G-T. GRCh37 (hg19) VCF-style: chr15-45403795-G-T.
Other names: c.514-12C>A (NM_014080.5).
Identifiers: ClinVar variation 5018624 (VCV005018624.2).